The following is an entry in ClinVar:

NM_004370.6(COL12A1):c.5019del (p.Thr1674fs)

Gene: COL12A1 (collagen type XII alpha 1 chain; minus strand). Cytogenetic location: 6q13.
Variant type: Deletion.
Coding change: c.5019del on transcript NM_004370.6 (MANE Select); coding-DNA position 5019, one base deleted (G; older notation c.5019delG).
Protein change: p.Thr1674fs; shifts the reading frame from threonine 1674.
Molecular consequence: frameshift variant.
Genome position (GRCh38, 1-based): chr6:75,138,900, C deleted on the plus strand (G on the coding strand, the reverse complement: COL12A1 is on the minus strand); the first of 3 consecutive C bases (chr6:75,138,900-75,138,902); deleting any one gives the same sequence. VCF-style (leftmost placement, unchanged base first): chr6-75138899-TC-T. GRCh37 (hg19) VCF-style: chr6-75848615-TC-T.
Other names: c.5019del, p.Thr1674fs (NM_001424114.1, NM_001424113.1); c.4746del, p.Thr1583fs (NM_001424115.1); c.1527del, p.Thr510fs (NM_001424116.1, NM_080645.3); short protein forms T510fs, T1674fs, T1583fs.
Identifiers: ClinVar variation 2953066 (VCV002953066.3), dbSNP rs2533320611, ClinGen allele CA2740091442.

ClinVar aggregate classification (germline): Pathogenic (1 of 4 stars; one submission).

Conditions:
Ullrich congenital muscular dystrophy 2 (UCMD2). Identifiers: Orphanet 75840, MedGen C4225314, MONDO:0014654, OMIM 616470.
Bethlem myopathy 2 (BTHLM2). Identifiers: Orphanet 536516, Orphanet 610, MedGen C4225313, MONDO:0034022, OMIM 616471.

Submission:

Labcorp Genetics (formerly Invitae), Labcorp
Classification: Pathogenic for Bethlem myopathy 2; Ullrich congenital muscular dystrophy 2. Last evaluated: 2023-10-18. Review status: criteria provided, single submitter. Criteria: Invitae Variant Classification Sherloc (09022015). Collection method: clinical testing. Allele origin: germline.
Comment: This sequence change creates a premature translational stop signal (p.Thr1674Leufs*14) in the COL12A1 gene. It is expected to result in an absent or disrupted protein product. Loss-of-function variants in COL12A1 are known to be pathogenic (PMID: 24334604, 28973083). This variant is not present in population databases (gnomAD no frequency). This variant has not been reported in the literature in individuals affected with COL12A1-related conditions. For these reasons, this variant has been classified as Pathogenic.

Literature cited by the submitters: PubMed 24334604; PubMed 28973083.